The following is an entry in ClinVar:

ClinVar aggregate classification (germline): Pathogenic (1 of 4 stars; one submission).

Conditions:
Intellectual disability, autosomal recessive 42 (NEDDSBA). Also called: Neurodevelopmental disorder with dysmorphic features, spasticity, and brain abnormalities; GLYCOSYLPHOSPHATIDYLINOSITOL BIOSYNTHESIS DEFECT 9. Identifiers: Orphanet 88616, MedGen C4014343, MONDO:0014348, OMIM 615802.

Submission:

Foundation for Research in Genetics and Endocrinology, FRIGE's Institute of Human Genetics
Classification: Pathogenic for Intellectual disability, autosomal recessive 42. Last evaluated: 2024-05-14. Review status: criteria provided, single submitter. Criteria: ACMG Guidelines, 2015. Collection method: clinical testing. Allele origin: germline. Inheritance: Autosomal recessive inheritance. Affected: yes. Observed: 1 homozygote.
Comment: A homozygous 4 base pair deletion in exon 16 of the PGAP1 gene that results in a frameshift and premature truncation of the protein 4 amino acids to codon 516 was detected. The observed variant c.1546_1549del (p.Val516lysfs*4) has not been reported in the 1000 genomes and gnomAD databases and has MAF 0.0047% in gnomAD databases. In summary, the variant meets our criteria to be classified as pathogenic.

NM_024989.4(PGAP1):c.1546_1549del (p.Val516fs)

Gene: PGAP1 (post-GPI attachment to proteins inositol deacylase 1; minus strand). Cytogenetic location: 2q33.1.
Variant type: Deletion.
Coding change: c.1546_1549del on transcript NM_024989.4 (MANE Select); coding-DNA positions 1546 to 1549, 4 bases deleted (GTCA; older notation c.1546_1549delGTCA).
Protein change: p.Val516fs; shifts the reading frame from valine 516.
Molecular consequence: frameshift variant.
Genome position (GRCh38, 1-based): chr2:196,873,531-196,873,534, TGAC deleted on the plus strand (GTCA on the coding strand, the reverse complement: PGAP1 is on the minus strand); deleting any 4 consecutive bases within chr2:196,873,531-196,873,536 gives the same sequence; the c. name uses the placement nearest the transcript's 3' end. VCF-style (leftmost placement, unchanged base first): chr2-196873530-TTGAC-T. GRCh37 (hg19) VCF-style: chr2-197738254-TTGAC-T.
Other names: p.Val516Lysfs*4; c.1024_1027del, p.Val342fs (NM_001321099.2); c.379_382del, p.Val127fs (NM_001321100.2); short protein forms V127fs, V342fs, V516fs.
Identifiers: ClinVar variation 3235692 (VCV003235692.2), dbSNP rs1559346318, ClinGen allele CA538518876.